The following is an entry in ClinVar:

ClinVar aggregate classification (germline): Uncertain significance (1 of 4 stars; one submission).

Submissions (2):

GeneDx
Classification: Uncertain significance. Last evaluated: 2025-07-23. Review status: criteria provided, single submitter. Criteria: GeneDx Variant Classification Process June 2021. Collection method: clinical testing. Allele origin: germline. Affected: yes.
Comment: Not observed at significant frequency in large population cohorts (gnomAD); In silico analysis suggests that this missense variant does not alter protein structure/function; Has not been previously published as pathogenic or benign to our knowledge

Dr. Peter K. Rogan Lab, Western University
No classification provided (evidence only). Condition: Thyroid cancer, nonmedullary, 1. Review status: no classification provided. Collection method: in vitro. Allele origin: not applicable. Functional consequence: retained intron. Not counted in ClinVar's aggregate classification.

NM_001015877.2(PHF6):c.138G>T (p.Met46Ile)

Gene: PHF6 (PHD finger protein 6; plus strand). Cytogenetic location: Xq26.2.
Variant type: single nucleotide variant.
Coding change: c.138G>T on transcript NM_001015877.2 (MANE Select); coding-DNA position 138, G replaced by T.
Protein change: p.Met46Ile; replaces methionine 46 with isoleucine.
Molecular consequence: missense variant.
Genome position (GRCh38, 1-based): chrX:134,377,755, G>T. VCF-style: chrX-134377755-G-T. GRCh37 (hg19) VCF-style: chrX-133511785-G-T.
Other names: NC_000023.10:g.133511785G>T; c.138G>T (NM_032458.2); c.138G>T, p.Met46Ile (NM_032335.3, NM_032458.3); short protein forms M46I.
Identifiers: ClinVar variation 4472078 (VCV004472078.2).